The following is an entry in ClinVar:

ClinVar aggregate classification (germline): Uncertain significance (1 of 4 stars; one submission).

Conditions:
Primary ciliary dyskinesia. Also called: Ciliary dyskinesia. Identifiers: Orphanet 244, MedGen C0008780, MONDO:0016575, HP:0012265.

Allele frequency attached by ClinVar (database versions not stated): gnomAD exomes 0.00001 and 0.00003; TOPMed 0.00003; ExAC 0.00004; gnomAD 0.00004 and 0.00005.
gnomAD v4.1: 28 of 1,610,310 alleles (0.0017%); highest among the groups gnomAD compares: Middle Eastern, 0.066%; no homozygotes.

Submission:

Labcorp Genetics (formerly Invitae), Labcorp
Classification: Uncertain significance for Primary ciliary dyskinesia. Last evaluated: 2024-12-24. Review status: criteria provided, single submitter. Criteria: Invitae Variant Classification Sherloc (09022015). Collection method: clinical testing. Allele origin: germline.
Comment: This sequence change replaces alanine, which is neutral and non-polar, with valine, which is neutral and non-polar, at codon 479 of the CCDC39 protein (p.Ala479Val). This variant is present in population databases (rs780264719, gnomAD 0.02%). This variant has not been reported in the literature in individuals affected with CCDC39-related conditions. ClinVar contains an entry for this variant (Variation ID: 577631). An algorithm developed to predict the effect of missense changes on protein structure and function outputs the following: PolyPhen-2: "Benign". The valine amino acid residue is found in multiple mammalian species, which suggests that this missense change does not adversely affect protein function. In summary, the available evidence is currently insufficient to determine the role of this variant in disease. Therefore, it has been classified as a Variant of Uncertain Significance.

NM_181426.2(CCDC39):c.1436C>T (p.Ala479Val)

Gene: CCDC39 (coiled-coil domain 39 molecular ruler complex subunit; minus strand). Cytogenetic location: 3q26.33.
Variant type: single nucleotide variant.
Coding change: c.1436C>T on transcript NM_181426.2 (MANE Select); coding-DNA position 1436, C replaced by T.
Protein change: p.Ala479Val; replaces alanine 479 with valine.
Molecular consequence: missense variant.
Genome position (GRCh38, 1-based): chr3:180,647,170, G>A on the plus strand (C>T on the coding strand, the complement: CCDC39 is on the minus strand). VCF-style: chr3-180647170-G-A. GRCh37 (hg19) VCF-style: chr3-180364958-G-A.
Other names: short protein forms A479V.
Identifiers: ClinVar variation 577631 (VCV000577631.5), dbSNP rs780264719, ClinGen allele CA2715941.